The following is an entry in ClinVar:

NM_003000.3(SDHB):c.776C>T (p.Pro259Leu)

Gene: SDHB (succinate dehydrogenase complex iron sulfur subunit B; minus strand). Cytogenetic location: 1p36.13.
Variant type: single nucleotide variant.
Coding change: c.776C>T on transcript NM_003000.3 (MANE Select); coding-DNA position 776, C replaced by T.
Protein change: p.Pro259Leu; replaces proline 259 with leucine.
Molecular consequence: missense variant.
Genome position (GRCh38, 1-based): chr1:17,018,948, G>A on the plus strand (C>T on the coding strand, the complement: SDHB is on the minus strand). VCF-style: chr1-17018948-G-A. GRCh37 (hg19) VCF-style: chr1-17345443-G-A.
Other names: c.722C>T, p.Pro241Leu (NM_001407361.1); short protein forms P241L, P259L.
Identifiers: ClinVar variation 2927111 (VCV002927111.5), dbSNP rs2524995141, ClinGen allele CA338269004.

ClinVar aggregate classification (germline): Uncertain significance. Review status: criteria provided, multiple submitters, no conflicts (2 of 4 stars). 3 submissions from 3 submitters: Uncertain significance (3). Last evaluated 2024-08-27.

Conditions:
Hereditary cancer-predisposing syndrome. Also called: Neoplastic Syndromes, Hereditary; Hereditary neoplastic syndrome; Tumor predisposition; Hereditary Cancer Syndrome. Identifiers: Orphanet 140162, MedGen C0027672, MeSH D009386, MONDO:0015356.
Pheochromocytoma. Also called: MAX-Related Hereditary Paraganglioma-Pheochromocytoma Syndrome. Identifiers: Orphanet 29072, MedGen C0031511, MONDO:0008233, OMIM 171300, HP:0002666.
Gastrointestinal stromal tumor. Also called: Gastrointestinal stromal tumor, somatic; Gastrointestinal stroma tumor. Identifiers: Orphanet 44890, MedGen C0238198, MeSH D046152, MONDO:0011719, OMIM 606764, HP:0100723.
Pheochromocytoma/paraganglioma syndrome 4. Also called: CAROTID BODY TUMORS AND MULTIPLE EXTRAADRENAL PHEOCHROMOCYTOMAS; PARAGANGLIOMA, FAMILIAL MALIGNANT; PARAGANGLIOMAS, HEREDITARY EXTRAADRENAL; PHEOCHROMOCYTOMA, FAMILIAL EXTRAADRENAL; Paragangliomas 4; SDHB-Related Hereditary Paraganglioma-Pheochromocytoma Syndrome (Paragangliomas 4). Identifiers: Orphanet 29072, MedGen C1861848, MONDO:0007273, OMIM 115310.
Hereditary pheochromocytoma and paraganglioma. Also called: Hereditary pheochromocytoma-paraganglioma; Hereditary Paraganglioma-Pheochromocytoma Syndromes; Hereditary paragangliomas and pheochromocytomas. Identifiers: Orphanet 29072, MedGen C4274332, MONDO:0017366.

gnomAD v4.1: 1 of 1,610,070 alleles (0.000062%); no homozygotes.

Submissions (3):

Ambry Genetics
Classification: Uncertain significance for Hereditary cancer-predisposing syndrome. Last evaluated: 2024-08-27. Review status: criteria provided, single submitter. Criteria: Ambry Variant Classification Scheme 2023. Collection method: clinical testing. Allele origin: germline.
Comment: The p.P259L variant (also known as c.776C>T), located in coding exon 8 of the SDHB gene, results from a C to T substitution at nucleotide position 776. The proline at codon 259 is replaced by leucine, an amino acid with similar properties. This amino acid position is highly conserved in available vertebrate species. In addition, this alteration is predicted to be deleterious by in silico analysis. Based on the available evidence, the clinical significance of this variant remains unclear.

All of Us Research Program, National Institutes of Health
Classification: Uncertain significance for Hereditary pheochromocytoma and paraganglioma. Last evaluated: 2023-11-30. Review status: criteria provided, single submitter. Criteria: ACMG Guidelines, 2015. Collection method: clinical testing. Allele origin: germline. Inheritance: Autosomal dominant inheritance. Observed: 1 variant allele, 1 heterozygote.
Comment: This study involves interpretation of variants in research participants for the purpose of population health screening. Participant phenotype was not available at the time of variant classification. Additional details can be found in publication PMID: 35346344, PMCID: PMC8962531

Labcorp Genetics (formerly Invitae), Labcorp
Classification: Uncertain significance for Gastrointestinal stromal tumor; Pheochromocytoma/paraganglioma syndrome 4; Pheochromocytoma. Last evaluated: 2023-06-24. Review status: criteria provided, single submitter. Criteria: Invitae Variant Classification Sherloc (09022015). Collection method: clinical testing. Allele origin: germline.
Comment: In summary, the available evidence is currently insufficient to determine the role of this variant in disease. Therefore, it has been classified as a Variant of Uncertain Significance. Advanced modeling of protein sequence and biophysical properties (such as structural, functional, and spatial information, amino acid conservation, physicochemical variation, residue mobility, and thermodynamic stability) performed at Invitae indicates that this missense variant is expected to disrupt SDHB protein function. This missense change has been observed in individual(s) with bladder paraganglioma (PMID: 27819762). This variant is not present in population databases (gnomAD no frequency). This sequence change replaces proline, which is neutral and non-polar, with leucine, which is neutral and non-polar, at codon 259 of the SDHB protein (p.Pro259Leu).

Literature cited by the submitters: PubMed 27819762 (cited by Labcorp Genetics (formerly Invitae), Labcorp).